The following is an entry in ClinVar:

NM_015102.5(NPHP4):c.2927C>T (p.Thr976Ile)

Gene: NPHP4 (nephrocystin 4; minus strand). Cytogenetic location: 1p36.31.
Variant type: single nucleotide variant.
Coding change: c.2927C>T on transcript NM_015102.5 (MANE Select); coding-DNA position 2927, C replaced by T.
Protein change: p.Thr976Ile; replaces threonine 976 with isoleucine.
Molecular consequence: missense variant. On other transcripts: non-coding transcript variant (1).
Genome position (GRCh38, 1-based): chr1:5,874,991, G>A on the plus strand (C>T on the coding strand, the complement: NPHP4 is on the minus strand). VCF-style: chr1-5874991-G-A. GRCh37 (hg19) VCF-style: chr1-5935051-G-A.
Other names: c.1388C>T, p.Thr463Ile (NM_001291593.2); c.1391C>T, p.Thr464Ile (NM_001291594.2); short protein forms T463I, T464I, T976I.
Identifiers: ClinVar variation 1284771 (VCV001284771.9), dbSNP rs756219438, ClinGen allele CA553873.

ClinVar aggregate classification (germline): Uncertain significance. Review status: criteria provided, single submitter (1 of 4 stars). 3 submissions from 3 submitters: Uncertain significance (1). 2 of the submissions do not count toward it. Last evaluated 2024-01-18.

Conditions:
Nephronophthisis. Also called: Juvenile Nephronophthisis. Identifiers: Orphanet 655, MedGen C0687120, MONDO:0019005, HP:0000090.

Allele frequency attached by ClinVar (database versions not stated): TOPMed 0.00003; gnomAD 0.00004; gnomAD exomes 0.00004 and 0.00007; ExAC 0.00010.
gnomAD v4.1: 70 of 1,612,456 alleles (0.0043%); highest among the groups gnomAD compares: Non-Finnish European, 0.0042%; no homozygotes.

Submissions (3):

Labcorp Genetics (formerly Invitae), Labcorp
Classification: Uncertain significance for Nephronophthisis. Last evaluated: 2024-01-18. Review status: criteria provided, single submitter. Criteria: Invitae Variant Classification Sherloc (09022015). Collection method: clinical testing. Allele origin: germline.
Comment: This sequence change replaces threonine, which is neutral and polar, with isoleucine, which is neutral and non-polar, at codon 976 of the NPHP4 protein (p.Thr976Ile). This variant is present in population databases (rs756219438, gnomAD 0.01%). This variant has not been reported in the literature in individuals affected with NPHP4-related conditions. ClinVar contains an entry for this variant (Variation ID: 1284771). Advanced modeling of protein sequence and biophysical properties (such as structural, functional, and spatial information, amino acid conservation, physicochemical variation, residue mobility, and thermodynamic stability) performed at Invitae indicates that this missense variant is expected to disrupt NPHP4 protein function with a positive predictive value of 80%. In summary, the available evidence is currently insufficient to determine the role of this variant in disease. Therefore, it has been classified as a Variant of Uncertain Significance.

Clinical Genetics, Academic Medical Center
Classification: Uncertain significance. Review status: no assertion criteria provided. Collection method: clinical testing. Allele origin: germline. Affected: yes. Study: VKGL Data-share Consensus. Not counted in ClinVar's aggregate classification.

Diagnostic Laboratory, Department of Genetics, University Medical Center Groningen
Classification: Uncertain significance. Review status: no assertion criteria provided. Collection method: clinical testing. Allele origin: germline. Affected: yes. Study: VKGL Data-share Consensus. Not counted in ClinVar's aggregate classification.